The following is an entry in ClinVar:

NM_006158.5(NEFL):c.613G>A (p.Ala205Thr)

Gene: NEFL (neurofilament light chain; minus strand). Cytogenetic location: 8p21.2.
Variant type: single nucleotide variant.
Coding change: c.613G>A on transcript NM_006158.5 (MANE Select); coding-DNA position 613, G replaced by A.
Protein change: p.Ala205Thr; replaces alanine 205 with threonine.
Molecular consequence: missense variant.
Genome position (GRCh38, 1-based): chr8:24,955,903, C>T on the plus strand (G>A on the coding strand, the complement: NEFL is on the minus strand). VCF-style: chr8-24955903-C-T. GRCh37 (hg19) VCF-style: chr8-24813417-C-T.
Other names: short protein forms A205T.
Identifiers: ClinVar variation 3299161 (VCV003299161.3).
Genomic context (GRCh38, chr8:24,955,903, plus strand): 5'-TCTTCAGAAAAGAGATTTCGTCCATCAAGCTGTCGATGCGCTTCTCGAGCTCGGCGCGAG[C>T]GAGCGCCGCCTCGTCGGCGCCTTTGCGCGCTTCCATCAGCCGGCCCTCGGCGTCCTCGCG-3'
Protein context (NP_006149.2, residues 195-215): ARKGADEAAL[Ala205Thr]RAELEKRIDS

ClinVar aggregate classification (germline): Conflicting classifications of pathogenicity. Review status: criteria provided, conflicting classifications (1 of 4 stars). 2 submissions from 2 submitters: Uncertain significance (1); Likely benign (1). Last evaluated 2026-05-01.

Conditions:
Inborn genetic diseases. Identifiers: MedGen C0950123, MeSH D030342.

Submissions (2):

CeGaT Center for Human Genetics Tuebingen
Classification: Likely benign. Last evaluated: 2026-05-01. Review status: criteria provided, single submitter. Criteria: CeGaT Center For Human Genetics Tuebingen Variant Classification Criteria Version 2. Collection method: clinical testing. Allele origin: germline. Affected: yes. Observed: 1 variant allele.
Comment: NEFL: BP4

Ambry Genetics
Classification: Uncertain significance for Inborn genetic diseases. Last evaluated: 2024-04-24. Review status: criteria provided, single submitter. Criteria: Ambry Variant Classification Scheme 2023. Collection method: clinical testing. Allele origin: germline.